The following is an entry in ClinVar:

ClinVar aggregate classification (germline): Pathogenic. Review status: criteria provided, multiple submitters, no conflicts (2 of 4 stars). 12 submissions from 12 submitters: Pathogenic (9). 3 of the submissions do not count toward it. Last evaluated 2025-03-19.

Conditions:
Developmental and epileptic encephalopathy, 7 (DEE7). Also called: KCNQ2-Related Neonatal Epileptic Encephalopathy; Early infantile epileptic encephalopathy 7; KCNQ2-Related Neonatal-Onset Developmental and Epileptic Encephalopathy (NEO-DEE). Identifiers: Orphanet 439218, MedGen C3150986, MONDO:0013387, OMIM 613720.
Seizure. Also called: Seizures. Identifiers: MedGen C0036572, HP:0001250.
Epileptic encephalopathy. Identifiers: MedGen C0543888, HP:0200134.
Early-infantile DEE. Also called: Ohtahara syndrome; Early infantile epileptic encephalopathy with suppression bursts; Early infantile epileptic encephalopathy. Identifiers: Orphanet 1934, MedGen C0393706, MONDO:0800491.
KCNQ2-Related Disorders. Also called: KCNQ2-related condition; KCNQ2-related disorder. Identifiers: MedGen CN169299.

Submissions (12):

Labcorp Genetics (formerly Invitae), Labcorp
Classification: Pathogenic for Early-infantile DEE. Last evaluated: 2025-03-19. Review status: criteria provided, single submitter. Criteria: Invitae Variant Classification Sherloc (09022015). Collection method: clinical testing. Allele origin: germline.
Comment: This sequence change replaces glycine, which is neutral and non-polar, with serine, which is neutral and polar, at codon 301 of the KCNQ2 protein (p.Gly301Ser). This variant is not present in population databases (gnomAD no frequency). This missense change has been observed in individual(s) with KCNQ2-related epilepsy (PMID: 27864847, 31418850). In at least one individual the variant was observed to be de novo. ClinVar contains an entry for this variant (Variation ID: 369770). Invitae Evidence Modeling of protein sequence and biophysical properties (such as structural, functional, and spatial information, amino acid conservation, physicochemical variation, residue mobility, and thermodynamic stability) indicates that this missense variant is expected to disrupt KCNQ2 protein function with a positive predictive value of 95%. For these reasons, this variant has been classified as Pathogenic.

Blueprint Genetics
Classification: Pathogenic for KCNQ2-related disorders. Last evaluated: 2024-10-28. Review status: criteria provided, single submitter. Criteria: ACMG Guidelines, 2015. Collection method: clinical testing. Allele origin: germline. Affected: yes. Observed: 1 variant allele.

Cytogénomique, Hospices Civils de Lyon
Classification: Pathogenic for Seizure. Last evaluated: 2024-10-11. Review status: criteria provided, single submitter. Criteria: ACMG Guidelines, 2015. Collection method: clinical testing. Allele origin: de novo. Affected: yes.

Dubai Health Genomic Medicine Center, Dubai Health
Classification: Pathogenic for Developmental and epileptic encephalopathy 7. Last evaluated: 2024-10-04. Review status: criteria provided, single submitter. Criteria: ACMG Guidelines, 2015. Collection method: research. Allele origin: germline. Affected: yes.
Comment: PS2, PM2, PS3, PM5

Institute of Human Genetics, University of Leipzig Medical Center
Classification: Pathogenic for Developmental and epileptic encephalopathy, 7. Last evaluated: 2024-02-12. Review status: criteria provided, single submitter. Criteria: ACMG Guidelines, 2015. Collection method: clinical testing. Allele origin: de novo. Inheritance: Autosomal dominant inheritance. Affected: yes.
Comment: Criteria applied: PS2,PS4,PM5_STR,PM1,PM2_SUP,PP3

3billion
Classification: Pathogenic for Developmental and epileptic encephalopathy, 7. Last evaluated: 2021-10-02. Review status: criteria provided, single submitter. Criteria: ACMG Guidelines, 2015. Collection method: clinical testing. Allele origin: germline. Affected: yes. Observed: 1 heterozygote.
Comment: Same nucleotide change resulting in same amino acid change has been previously reported as de novoo (ClinVar ID: VCV000369770.5, PMID: 27864847, PS2). The missense variant is located in a mutational hot spot and/or well-established functional domain in which established pathogenic variants have been reported (PM1). It is not observed in the gnomAD v2.1.1 dataset (PM2). A different missense change (p.Gly301Asp) at the same codon has been reported as pathogenic (ClinVar ID: VCV000431095.3). The variant was observed as assumed (i.e. paternity and maternity not confirmed) de novoo (3billion dataset, PM6). In silico tool predictions suggest damaging effect of the variant on gene or gene product (REVEL: 0.944, 3Cnet: 0.943, PP3). Therefore, this variant is classified as pathogenic according to the recommendation of ACMG/AMP guideline.

Victorian Clinical Genetics Services, Murdoch Childrens Research Institute
Classification: Pathogenic for Developmental and epileptic encephalopathy, 7. Last evaluated: 2020-10-19. Review status: criteria provided, single submitter. Criteria: ACMG Guidelines, 2015. Collection method: clinical testing. Allele origin: germline. Inheritance: Autosomal dominant inheritance. Affected: yes.
Comment: Based on the classification scheme VCGS_Germline_v1.3.3, this variant is classified as Pathogenic. Following criteria are met: 0103 - Dominant negative and loss of function are known mechanisms of disease in this gene and are associated with early infantile epileptic encephalopathy 7 (EEIE) (MIM#613720) (PMID: 24318194). (I) 0107 - This gene is associated with autosomal dominant disease. (I) 0200 - Variant is predicted to result in a missense amino acid change from glycine to serine. (I) 0251 - This variant is heterozygous. (I) 0301 - Variant is absent from gnomAD (both v2 and v3). (SP) 0501 - Missense variant consistently predicted to be damaging by multiple in silico tools or highly conserved with a major amino acid change. (SP) 0603 - Missense variant in a region that is highly intolerant to missense variation (high constraint region in DECIPHER). (SP) 0703 - Other missense variants comparable to the one identified in this case have moderate previous evidence for pathogenicity. Two alternative missense changes (p.Gly301Ser, p.Gly301Val) have been reported as pathogenic, likely pathogenic and as a VUS (ClinVar, LOVD). One report notes the patient was de novo. (SP) 0801 - This variant has strong previous evidence of pathogenicity in unrelated individuals. This variant has been reported as pathogenic and likely pathogenic, and has been observed in several de novo patients with EEIE (ClinVar, LOVD, PMID 25959266). (SP) Legend: (SP) - Supporting pathogenic, (I) - Information, (SB) - Supporting benign

Neurogenetics Laboratory - MEYER, AOU Meyer
Classification: Pathogenic for Epileptic encephalopathy. Last evaluated: 2016-11-16. Review status: criteria provided, single submitter. Criteria: ACMG Guidelines, 2015. Collection method: clinical testing. Allele origin: de novo. Affected: yes. Observed: 1 heterozygote.

Baylor Genetics
Classification: Pathogenic for Developmental and epileptic encephalopathy, 7. Review status: criteria provided, single submitter. Criteria: ACMG Guidelines, 2015. Collection method: clinical testing. Allele origin: unknown.

GeneReviews
No classification provided. Condition: Developmental and epileptic encephalopathy, 7. Review status: no classification provided. Collection method: literature only. Allele origin: germline. Affected: yes. Not counted in ClinVar's aggregate classification.
Comment: EE (epileptic encephalopathy)

Genome Diagnostics Laboratory, University Medical Center Utrecht
Classification: Pathogenic. Review status: no assertion criteria provided. Collection method: clinical testing. Allele origin: germline. Affected: yes. Study: VKGL Data-share Consensus. Not counted in ClinVar's aggregate classification.

Joint Genome Diagnostic Labs from Nijmegen and Maastricht, Radboudumc and MUMC+
Classification: Pathogenic. Review status: no assertion criteria provided. Collection method: clinical testing. Allele origin: germline. Affected: yes. Study: VKGL Data-share Consensus. Not counted in ClinVar's aggregate classification.

Literature cited by the submitters: PubMed 27864847 (cited by Labcorp Genetics (formerly Invitae), Labcorp and 3billion); PubMed 31418850 (cited by Labcorp Genetics (formerly Invitae), Labcorp); PubMed 24318194 (cited by Victorian Clinical Genetics Services, Murdoch Childrens Research Institute); PubMed 25959266 (cited by Victorian Clinical Genetics Services, Murdoch Childrens Research Institute and GeneReviews); PubMed 25326635 (cited by Baylor Genetics); NCBI Bookshelf NBK32534 (cited by GeneReviews).

NM_172107.4(KCNQ2):c.901G>A (p.Gly301Ser)

Gene: KCNQ2 (potassium voltage-gated channel subfamily Q member 2; minus strand). Cytogenetic location: 20q13.33.
Variant type: single nucleotide variant.
Coding change: c.901G>A on transcript NM_172107.4 (MANE Select); coding-DNA position 901, G replaced by A.
Protein change: p.Gly301Ser; replaces glycine 301 with serine.
Molecular consequence: missense variant.
Genome position (GRCh38, 1-based): chr20:63,439,624, C>T on the plus strand (G>A on the coding strand, the complement: KCNQ2 is on the minus strand). VCF-style: chr20-63439624-C-T. GRCh37 (hg19) VCF-style: chr20-62070977-C-T.
Other names: c.901G>A, p.Gly301Ser (NM_004518.6, NM_172106.3, NM_172108.5 and 1 more transcripts); short protein forms G301S.
Identifiers: ClinVar variation 369770 (VCV000369770.28), dbSNP rs1057516099, ClinGen allele CA10654809.